The following is an entry in ClinVar:

NM_000059.4(BRCA2):c.9606del (p.Tyr3203fs)

Gene: BRCA2 (BRCA2 DNA repair associated; plus strand). Cytogenetic location: 13q13.1.
Variant type: Deletion.
Coding change: c.9606del on transcript NM_000059.4 (MANE Select); coding-DNA position 9606, one base deleted (G; older notation c.9606delG).
Protein change: p.Tyr3203fs; shifts the reading frame from tyrosine 3203.
Molecular consequence: frameshift variant. On other transcripts: non-coding transcript variant (1).
Genome position (GRCh38, 1-based): chr13:32,397,002, G deleted. VCF-style (leftmost placement, unchanged base first): chr13-32397001-CG-C. GRCh37 (hg19) VCF-style: chr13-32971138-CG-C.
Other names: c.9510del, p.Tyr3171fs (NM_001406719.1); c.9555del, p.Tyr3186fs (NM_001406720.1); c.4674del, p.Tyr1559fs (NM_001406721.1); c.3189del, p.Tyr1064fs (NM_001406722.1); c.9606del, p.Tyr3203fs (NM_001432077.1); short protein forms Y1064fs, Y1559fs, Y3171fs, Y3186fs, Y3203fs.
Identifiers: ClinVar variation 4867792 (VCV004867792.1).

ClinVar aggregate classification (germline): Pathogenic (1 of 4 stars; one submission).

Conditions:
Hereditary cancer-predisposing syndrome. Also called: Neoplastic Syndromes, Hereditary; Tumor predisposition; Hereditary Cancer Syndrome; Hereditary neoplastic syndrome. Identifiers: Orphanet 140162, MedGen C0027672, MeSH D009386, MONDO:0015356.

Submission:

Ambry Genetics
Classification: Pathogenic for Hereditary cancer-predisposing syndrome. Last evaluated: 2026-03-25. Review status: criteria provided, single submitter. Criteria: Ambry Variant Classification Scheme 2023. Collection method: clinical testing. Allele origin: germline.
Comment: The c.9606delG pathogenic mutation, located in coding exon 25 of the BRCA2 gene, results from a deletion of one nucleotide at nucleotide position 9606, causing a translational frameshift with a predicted alternate stop codon (p.Y3203Tfs*14). This variant is considered to be rare based on population cohorts in the Genome Aggregation Database (gnomAD). This alteration is expected to result in loss of function by premature protein truncation or nonsense-mediated mRNA decay. As such, this alteration is interpreted as a disease-causing mutation.